The following is an entry in ClinVar:

ClinVar aggregate classification (germline): Uncertain significance (1 of 4 stars; one submission).

Conditions:
Hyperekplexia 3 (HKPX3). Also called: HYPEREKPLEXIA 3, AUTOSOMAL RECESSIVE; HYPEREKPLEXIA 3, AUTOSOMAL DOMINANT. Identifiers: Orphanet 3197, MedGen C3553288, MONDO:0013827, OMIM 614618.

Submission:

Labcorp Genetics (formerly Invitae), Labcorp
Classification: Uncertain significance for Hyperekplexia 3. Last evaluated: 2021-04-02. Review status: criteria provided, single submitter. Criteria: Invitae Variant Classification Sherloc (09022015). Collection method: clinical testing. Allele origin: germline.
Comment: In summary, the available evidence is currently insufficient to determine the role of this variant in disease. Therefore, it has been classified as a Variant of Uncertain Significance. Advanced modeling of protein sequence and biophysical properties (such as structural, functional, and spatial information, amino acid conservation, physicochemical variation, residue mobility, and thermodynamic stability) performed at Invitae indicates that this missense variant is not expected to disrupt SLC6A5 protein function. This variant has not been reported in the literature in individuals with SLC6A5-related conditions. This variant is not present in population databases (ExAC no frequency). This sequence change replaces alanine with valine at codon 238 of the SLC6A5 protein (p.Ala238Val). The alanine residue is highly conserved and there is a small physicochemical difference between alanine and valine.

NM_004211.5(SLC6A5):c.713C>T (p.Ala238Val)

Gene: SLC6A5 (solute carrier family 6 member 5; plus strand). Cytogenetic location: 11p15.1.
Variant type: single nucleotide variant.
Coding change: c.713C>T on transcript NM_004211.5 (MANE Select); coding-DNA position 713, C replaced by T.
Protein change: p.Ala238Val; replaces alanine 238 with valine.
Molecular consequence: missense variant.
Genome position (GRCh38, 1-based): chr11:20,607,040, C>T. VCF-style: chr11-20607040-C-T. GRCh37 (hg19) VCF-style: chr11-20628586-C-T.
Other names: c.11C>T, p.Ala4Val (NM_001318369.2); short protein forms A4V, A238V.
Identifiers: ClinVar variation 1468177 (VCV001468177.8), dbSNP rs2133774700, ClinGen allele CA379913708.